The following is an entry in ClinVar:

ClinVar aggregate classification (germline): Uncertain significance (1 of 4 stars; one submission).

gnomAD v4.1: 2,143 of 1,611,846 alleles (0.13%); highest among the groups gnomAD compares: Non-Finnish European, 0.17%; 1 homozygote.

Submission:

GeneDx
Classification: Uncertain significance. Last evaluated: 2026-03-08. Review status: criteria provided, single submitter. Criteria: GeneDx Variant Classification Process June 2021. Collection method: clinical testing. Allele origin: germline.
Comment: Has been observed as de novo in one patient from a large cohort of patients with neurodevelopmental disorders; however no additional patient specific details were available (PMID: 35982159); In silico analysis suggests that this missense variant does not alter protein structure/function; This variant is associated with the following publications: (PMID: 31785789)

NM_018017.4(CCDC186):c.1625C>T (p.Thr542Ile)

Gene: CCDC186 (coiled-coil domain containing 186; minus strand). Cytogenetic location: 10q25.3.
Variant type: single nucleotide variant.
Coding change: c.1625C>T on transcript NM_018017.4 (MANE Select); coding-DNA position 1625, C replaced by T.
Protein change: p.Thr542Ile; replaces threonine 542 with isoleucine.
Molecular consequence: missense variant. On other transcripts: non-coding transcript variant (1).
Genome position (GRCh38, 1-based): chr10:114,134,943, G>A on the plus strand (C>T on the coding strand, the complement: CCDC186 is on the minus strand). VCF-style: chr10-114134943-G-A. GRCh37 (hg19) VCF-style: chr10-115894702-G-A.
Other names: c.1625C>T, p.Thr542Ile (NM_001321829.1); short protein forms T542I.
Identifiers: ClinVar variation 4891506 (VCV004891506.1).
Genomic context (GRCh38, chr10:114,134,943, plus strand): 5'-TAATACAAACAGAAGTTGCTCATTTTGTACCTTTGAAGCTGCTCCTGTAGCTGATCTGCA[G>A]TTTTCACCTTGTCCAATAAATTCTGAATTTCAGCTTTTTGGCGATTAATAATTTCCTTAT-3'
Protein context (NP_060487.2, residues 532-552): EIQNLLDKVK[Thr542Ile]ADQLQEQLQR